The following is an entry in ClinVar:

NM_006129.5(BMP1):c.1624G>A (p.Val542Ile)

Genes: BMP1 (bone morphogenetic protein 1; plus strand), LOC113788269 (BRD4-independent group 4 enhancer GRCh37_chr8:22052064-22053263; plus strand). Cytogenetic location: 8p21.3.
Variant type: single nucleotide variant.
Coding change: c.1624G>A on transcript NM_006129.5 (MANE Select); coding-DNA position 1624, G replaced by A.
Protein change: p.Val542Ile; replaces valine 542 with isoleucine.
Molecular consequence: missense variant. On other transcripts: non-coding transcript variant (2).
Genome position (GRCh38, 1-based): chr8:22,194,904, G>A. VCF-style: chr8-22194904-G-A. GRCh37 (hg19) VCF-style: chr8-22052417-G-A.
Other names: c.1624G>A, p.Val542Ile (NM_001199.4); short protein forms V542I.
Identifiers: ClinVar variation 362586 (VCV000362586.7), dbSNP rs753963317, ClinGen allele CA4664721.

ClinVar aggregate classification (germline): Uncertain significance. Review status: criteria provided, multiple submitters, no conflicts (2 of 4 stars). 3 submissions from 3 submitters: Uncertain significance (3). Last evaluated 2022-07-21.

Conditions:
Osteogenesis imperfecta type 13. Also called: OI, TYPE XIII; Osteogenesis imperfecta, type xiii. Identifiers: Orphanet 666, MedGen C3553887, MONDO:0013924, OMIM 614856.

Allele frequency attached by ClinVar (database versions not stated): gnomAD 0.00005 and 0.00006; TOPMed 0.00006; ExAC 0.00008; gnomAD exomes 0.00011.
gnomAD v4.1: 165 of 1,607,970 alleles (0.01%); highest among the groups gnomAD compares: East Asian, 0.2%; no homozygotes.

Submissions (3):

Labcorp Genetics (formerly Invitae), Labcorp
Classification: Uncertain significance. Last evaluated: 2022-07-21. Review status: criteria provided, single submitter. Criteria: Invitae Variant Classification Sherloc (09022015). Collection method: clinical testing. Allele origin: germline.
Comment: This sequence change replaces valine, which is neutral and non-polar, with isoleucine, which is neutral and non-polar, at codon 542 of the BMP1 protein (p.Val542Ile). This variant is present in population databases (rs753963317, gnomAD 0.08%). This variant has not been reported in the literature in individuals affected with BMP1-related conditions. ClinVar contains an entry for this variant (Variation ID: 362586). Algorithms developed to predict the effect of missense changes on protein structure and function are either unavailable or do not agree on the potential impact of this missense change (SIFT: "Deleterious"; PolyPhen-2: "Benign"; Align-GVGD: "Class C25"). In summary, the available evidence is currently insufficient to determine the role of this variant in disease. Therefore, it has been classified as a Variant of Uncertain Significance.

Fulgent Genetics
Classification: Uncertain significance for Osteogenesis imperfecta type 13. Last evaluated: 2022-01-14. Review status: criteria provided, single submitter. Criteria: ACMG Guidelines, 2015. Collection method: clinical testing. Allele origin: unknown.

Illumina Laboratory Services, Illumina
Classification: Uncertain significance for Osteogenesis imperfecta type 13. Last evaluated: 2018-01-13. Review status: criteria provided, single submitter. Criteria: ICSL Variant Classification Criteria 13 December 2019. Collection method: clinical testing. Allele origin: germline.